The following is an entry in ClinVar:

NM_001614.5(ACTG1):c.930C>T (p.Ala310=)

Gene: ACTG1 (actin gamma 1; minus strand). Cytogenetic location: 17q25.3.
Variant type: single nucleotide variant.
Coding change: c.930C>T on transcript NM_001614.5 (MANE Select); coding-DNA position 930, C replaced by T.
Protein change: p.Ala310=; no amino-acid change (alanine 310 retained).
Molecular consequence: synonymous variant. On other transcripts: non-coding transcript variant (1).
Genome position (GRCh38, 1-based): chr17:81,510,981, G>A on the plus strand (C>T on the coding strand, the complement: ACTG1 is on the minus strand). VCF-style: chr17-81510981-G-A. GRCh37 (hg19) VCF-style: chr17-79478007-G-A.
Other names: p.Ala310=; c.930C>T, p.Ala310= (NM_001199954.3).
Identifiers: ClinVar variation 44151 (VCV000044151.28), dbSNP rs1135989, ClinGen allele CA133682.

ClinVar aggregate classification (germline): Benign. Review status: criteria provided, multiple submitters, no conflicts (2 of 4 stars). 11 submissions from 10 submitters: Benign (8). 3 of the submissions do not count toward it. Last evaluated 2026-02-04.

Conditions:
Autosomal dominant nonsyndromic hearing loss 20. Identifiers: Orphanet 90635, MedGen C1858172, MONDO:0011480, OMIM 604717.
Baraitser-winter syndrome 2. Identifiers: Orphanet 2995, MedGen C3281235, MONDO:0013812, OMIM 614583.

Allele frequency attached by ClinVar (database versions not stated): 1000 Genomes Project 0.18530; 1000 Genomes Project 30x 0.18676; TOPMed 0.28089; gnomAD exomes 0.28700; ExAC 0.28824; gnomAD 0.30055 and 0.30776; ESP Exome Variant Server 0.31639.
gnomAD v4.1: 557,900 of 1,613,808 alleles (35%); highest among the groups gnomAD compares: Non-Finnish European, 39%; 104,483 homozygotes.

Submissions (11):

Labcorp Genetics (formerly Invitae), Labcorp
Classification: Benign for Baraitser-winter syndrome 2; Autosomal dominant nonsyndromic hearing loss 20. Last evaluated: 2026-02-04. Review status: criteria provided, single submitter. Criteria: Invitae Variant Classification Sherloc (09022015). Collection method: clinical testing. Allele origin: germline.

Blueprint Genetics
Classification: Benign. Last evaluated: 2024-11-28. Review status: criteria provided, single submitter. Criteria: ACMG Guidelines, 2015. Collection method: clinical testing. Allele origin: germline.

Mayo Clinic Laboratories, Mayo Clinic
Classification: Benign. Last evaluated: 2022-04-26. Review status: criteria provided, single submitter. Criteria: ACMG Guidelines, 2015. Collection method: clinical testing. Allele origin: germline. Observed: 165 variant alleles.

Genome-Nilou Lab
Classification: Benign for Baraitser-winter syndrome 2. Last evaluated: 2021-07-14. Review status: criteria provided, single submitter. Criteria: ACMG Guidelines, 2015. Collection method: clinical testing. Allele origin: germline. Affected: no.

Genome-Nilou Lab
Classification: Benign for Autosomal dominant nonsyndromic hearing loss 20. Last evaluated: 2021-07-14. Review status: criteria provided, single submitter. Criteria: ACMG Guidelines, 2015. Collection method: clinical testing. Allele origin: germline. Affected: no.

GeneDx
Classification: Benign. Last evaluated: 2015-10-28. Review status: criteria provided, single submitter. Criteria: GeneDx Variant Classification (06012015). Collection method: clinical testing. Allele origin: germline. Affected: yes.
Comment: This variant is considered likely benign or benign based on one or more of the following criteria: it is a conservative change, it occurs at a poorly conserved position in the protein, it is predicted to be benign by multiple in silico algorithms, and/or has population frequency not consistent with disease.

Laboratory for Molecular Medicine, Mass General Brigham Personalized Medicine
Classification: Benign. Last evaluated: 2012-05-07. Review status: criteria provided, single submitter. Criteria: LMM Criteria. Collection method: clinical testing. Allele origin: germline. Observed: 851 variant alleles.
Comment: "Ala310Ala in Exon 05 of ACTG1: This variant is not expected to have clinical si gnificance because it does not alter an amino acid residue, is not located withi n the splice consensus sequence, and has been identified in 37.7% (2650/7020) of European American chromosomes from a broad population by the NHLBI Exome Sequen cing Project (dbSNP rs1135989)."

Breakthrough Genomics
Classification: Benign. Review status: criteria provided, single submitter. Criteria: ACMG Guidelines, 2015. Collection method: not provided. Allele origin: germline. Inheritance: Autosomal dominant inheritance. Affected: yes.

Clinical Genetics DNA and cytogenetics Diagnostics Lab, Erasmus MC, Erasmus Medical Center
Classification: Benign. Review status: no assertion criteria provided. Collection method: clinical testing. Allele origin: germline. Affected: yes. Study: VKGL Data-share Consensus. Not counted in ClinVar's aggregate classification.

Genetic Services Laboratory, University of Chicago
Classification: Likely benign for AllHighlyPenetrant. Review status: no assertion criteria provided. Collection method: clinical testing. Allele origin: germline. Inheritance: Autosomal recessive inheritance. Not counted in ClinVar's aggregate classification.
Comment: Likely benign based on allele frequency in 1000 Genomes Project or ESP global frequency and its presence in a patient with a rare or unrelated disease phenotype. NOT Sanger confirmed.

Joint Genome Diagnostic Labs from Nijmegen and Maastricht, Radboudumc and MUMC+
Classification: Benign. Review status: no assertion criteria provided. Collection method: clinical testing. Allele origin: germline. Affected: yes. Study: VKGL Data-share Consensus. Not counted in ClinVar's aggregate classification.